The following is an entry in ClinVar:

ClinVar aggregate classification (germline): Uncertain significance (1 of 4 stars; one submission).

Conditions:
Cardiovascular phenotype. Identifiers: MedGen CN230736.

Submission:

Ambry Genetics
Classification: Uncertain significance for Cardiovascular phenotype. Last evaluated: 2024-08-28. Review status: criteria provided, single submitter. Criteria: Ambry Variant Classification Scheme 2023. Collection method: clinical testing. Allele origin: germline.
Comment: The p.R250K variant (also known as c.749G>A), located in coding exon 4 of the SNTA1 gene, results from a G to A substitution at nucleotide position 749. The arginine at codon 250 is replaced by lysine, an amino acid with highly similar properties. This amino acid position is conserved. In addition, this alteration is predicted to be tolerated by in silico analysis. Based on the available evidence, the clinical significance of this variant remains unclear.

NM_003098.3(SNTA1):c.749G>A (p.Arg250Lys)

Gene: SNTA1 (syntrophin alpha 1; minus strand). Cytogenetic location: 20q11.21.
Variant type: single nucleotide variant.
Coding change: c.749G>A on transcript NM_003098.3 (MANE Select); coding-DNA position 749, G replaced by A.
Protein change: p.Arg250Lys; replaces arginine 250 with lysine.
Molecular consequence: missense variant.
Genome position (GRCh38, 1-based): chr20:33,412,735, C>T on the plus strand (G>A on the coding strand, the complement: SNTA1 is on the minus strand). VCF-style: chr20-33412735-C-T. GRCh37 (hg19) VCF-style: chr20-32000541-C-T.
Other names: c.749G>A, p.Arg250Lys (NM_001424413.1, NM_001424414.1); short protein forms R250K.
Identifiers: ClinVar variation 3446789 (VCV003446789.1).